The following is an entry in ClinVar:

ClinVar aggregate classification (germline): Uncertain significance (1 of 4 stars; one submission).

Submission:

Women's Health and Genetics/Laboratory Corporation of America, LabCorp
Classification: Uncertain significance. Last evaluated: 2026-04-23. Review status: criteria provided, single submitter. Criteria: LabCorp Variant Classification Summary - May 2015. Collection method: clinical testing. Allele origin: germline.
Comment: Variant summary: TTN c.39779A>C (p.Glu13260Ala) results in a non-conservative amino acid change in the encoded protein sequence. Algorithms developed to predict the effect of missense changes on protein structure and function are either unavailable or do not agree on the potential impact of this missense change. The variant was absent in 248196 control chromosomes. The available data on variant occurrences in the general population are insufficient to allow any conclusion about variant significance. To our knowledge, no occurrence of c.39779A>C in individuals affected with TTN-related conditions and no experimental evidence demonstrating its impact on protein function have been reported. No submitters have cited clinical-significance assessments for this variant to ClinVar. Based on the evidence outlined above, the variant was classified as uncertain significance.

NM_001267550.2(TTN):c.47483A>C (p.Glu15828Ala)

Genes: TTN (titin; minus strand), TTN-AS1 (TTN antisense RNA 1; plus strand). Cytogenetic location: 2q31.2.
Variant type: single nucleotide variant.
Coding change: c.47483A>C on transcript NM_001267550.2 (MANE Select); coding-DNA position 47483, A replaced by C.
Protein change: p.Glu15828Ala; replaces glutamic acid 15828 with alanine.
Molecular consequence: missense variant.
Genome position (GRCh38, 1-based): chr2:178,617,868, T>G on the plus strand (A>C on the coding strand, the complement: TTN is on the minus strand). VCF-style: chr2-178617868-T-G. GRCh37 (hg19) VCF-style: chr2-179482595-T-G.
Other names: c.20288A>C, p.Glu6763Ala (NM_003319.4); c.39779A>C, p.Glu13260Ala (NM_133378.4); c.20663A>C, p.Glu6888Ala (NM_133432.3); c.20864A>C, p.Glu6955Ala (NM_133437.4); c.42560A>C, p.Glu14187Ala (NM_001256850.1); short protein forms E13260A, E14187A, E15828A, E6763A, E6888A, E6955A.
Identifiers: ClinVar variation 4849132 (VCV004849132.1).